The following is an entry in ClinVar:

NM_001374736.1(DST):c.4475+6T>C

Gene: DST (dystonin; minus strand). Cytogenetic location: 6p12.1.
Variant type: single nucleotide variant.
Coding change: c.4475+6T>C on transcript NM_001374736.1 (MANE Select); 6 bases into the intron after coding-DNA position 4475, T replaced by C.
Molecular consequence: intron variant.
Genome position (GRCh38, 1-based): chr6:56,629,244, A>G on the plus strand (T>C on the coding strand, the complement: DST is on the minus strand). VCF-style: chr6-56629244-A-G. GRCh37 (hg19) VCF-style: chr6-56494042-A-G.
Other names: c.4376+6T>C (NM_001144769.5); c.4475+6T>C (NM_001374722.1); c.4502+6T>C (NM_001374734.1); c.3962+6T>C (NM_001144770.2); c.3842+6T>C (NM_001374730.1, NM_001386100.1, NM_183380.4 and 1 more transcripts); c.2864+6T>C (NM_015548.5, NM_001723.7).
Identifiers: ClinVar variation 4813235 (VCV004813235.1).

ClinVar aggregate classification (germline): Uncertain significance (1 of 4 stars; one submission).

gnomAD v4.1: 3 of 1,613,444 alleles (0.00019%); highest among the groups gnomAD compares: Admixed American, 0.0033%; no homozygotes.

Submission:

GeneDx
Classification: Uncertain significance. Last evaluated: 2025-09-05. Review status: criteria provided, single submitter. Criteria: GeneDx Variant Classification Process June 2021. Collection method: clinical testing. Allele origin: germline. Affected: yes.
Comment: Not observed at significant frequency in large population cohorts (gnomAD); In silico analysis suggests that this variant does not alter splicing; Has not been previously published as pathogenic or benign to our knowledge; Reported using the transcript encoding the epithelial isoform of the gene